The following is an entry in ClinVar:

ClinVar aggregate classification (germline): Benign (1 of 4 stars; one submission).

Conditions:
Melanoma-pancreatic cancer syndrome. Identifiers: Orphanet 404560, MedGen C1838547, MONDO:0011713, OMIM 606719. Disease mechanism: loss of function.

Submission:

Myriad Genetics, Inc.
Classification: Benign for Melanoma-pancreatic cancer syndrome. Last evaluated: 2025-08-12. Review status: criteria provided, single submitter. Criteria: Myriad Autosomal Dominant, Autosomal Recessive and X-Linked Classification Criteria (2023). Collection method: clinical testing. Allele origin: unknown.
Comment: This variant is considered benign. This variant is a silent/synonymous amino acid change and it is not expected to impact splicing.

NM_058195.4(CDKN2A):c.33T>A (p.Ile11=)

Gene: CDKN2A (cyclin dependent kinase inhibitor 2A; minus strand). Cytogenetic location: 9p21.3.
Variant type: single nucleotide variant.
Coding change: c.33T>A on transcript NM_058195.4 (MANE Plus Clinical); coding-DNA position 33, T replaced by A.
Protein change: p.Ile11=; no amino-acid change (isoleucine 11 retained).
Molecular consequence: synonymous variant. On other transcripts: intron variant (1).
Genome position (GRCh38, 1-based): chr9:21,994,299, A>T on the plus strand (T>A on the coding strand, the complement: CDKN2A is on the minus strand). VCF-style: chr9-21994299-A-T. GRCh37 (hg19) VCF-style: chr9-21994298-A-T.
Other names: c.-4+522T>A (NM_001363763.2).
Identifiers: ClinVar variation 4294180 (VCV004294180.1).